The following is an entry in ClinVar:

NM_206933.4(USH2A):c.8638_8641dup (p.Ser2881fs)

Gene: USH2A (usherin; minus strand). Cytogenetic location: 1q41.
Variant type: Microsatellite.
Coding change: c.8638_8641dup on transcript NM_206933.4 (MANE Select); coding-DNA positions 8638 to 8641, 4 bases duplicated (TATT; older notation c.8638_8641dupTATT).
Protein change: p.Ser2881fs; shifts the reading frame from serine 2881.
Molecular consequence: frameshift variant.
Genome position (GRCh38, 1-based): chr1:215,877,798-215,877,801, AATA duplicated on the plus strand (TATT on the coding strand, the reverse complement: USH2A is on the minus strand); duplicating any 4 consecutive bases within chr1:215,877,798-215,877,805 gives the same sequence; the c. name uses the placement nearest the transcript's 3' end. VCF-style (leftmost placement, unchanged base first): chr1-215877797-G-GAATA. GRCh37 (hg19) VCF-style: chr1-216051139-G-GAATA.
Other names: short protein forms S2881fs.
Identifiers: ClinVar variation 546629 (VCV000546629.45), dbSNP rs1553272035, ClinGen allele CA658823361.

ClinVar aggregate classification (germline): Pathogenic/Likely pathogenic. Review status: criteria provided, multiple submitters, no conflicts (2 of 4 stars). 4 submissions from 4 submitters: Pathogenic (2); Likely pathogenic (2). Last evaluated 2023-11-04.

Conditions:
Retinitis pigmentosa 39 (RP39). Identifiers: Orphanet 791, MedGen C3151138, MONDO:0013436, OMIM 613809.
Usher syndrome type 2A. Also called: RETINAL DISEASE IN USHER SYNDROME TYPE IIA, MODIFIER OF; USHER SYNDROME, TYPE IIA. Identifiers: Orphanet 231178, Orphanet 886, MedGen C1848634, MONDO:0010169, OMIM 276901.
Retinitis pigmentosa (RP). Identifiers: Orphanet 791, MedGen C0035334, MeSH D012174, MONDO:0019200, OMIM 268000. Inheritance: Autosomal dominant, autosomal recessive and X linked inheritance.

Submissions (4):

Genome-Nilou Lab
Classification: Likely pathogenic for Retinitis pigmentosa 39. Last evaluated: 2023-11-04. Review status: criteria provided, single submitter. Criteria: ACMG Guidelines, 2015. Collection method: clinical testing. Allele origin: germline. Affected: no.

Molecular Genetics Laboratory, Institute for Ophthalmic Research
Classification: Pathogenic for Retinitis pigmentosa. Last evaluated: 2020-01-09. Review status: criteria provided, single submitter. Criteria: ACMG Guidelines, 2015. Collection method: research. Allele origin: germline. Affected: yes.

CeGaT Center for Human Genetics Tuebingen
Classification: Likely pathogenic. Last evaluated: 2017-12-01. Review status: criteria provided, single submitter. Criteria: CeGaT Center For Human Genetics Tuebingen Variant Classification Criteria Version 2. Collection method: clinical testing. Allele origin: germline. Affected: yes. Observed: 1 variant allele.

Juno Genomics, Hangzhou Juno Genomics, Inc
Classification: Pathogenic for Retinitis pigmentosa 39; Usher syndrome type 2A. Review status: criteria provided, single submitter. Criteria: ACMG Guidelines, 2015. Collection method: clinical testing. Allele origin: germline.
Comment: Absent from controls (or at extremely low frequency if recessive) in Genome Aggregation Database.;Null variant in a gene where loss of function (LOF) is a known mechanism of disease.;For recessive disorders, detected in trans with a pathogenic variant.;Patient's phenotype or family history is highly specific for a disease with a single genetic etiology.